The following is an entry in ClinVar:

NM_001367561.1(DOCK7):c.238A>G (p.Ile80Val)

Gene: DOCK7 (dedicator of cytokinesis 7; minus strand). Cytogenetic location: 1p31.3.
Variant type: single nucleotide variant.
Coding change: c.238A>G on transcript NM_001367561.1 (MANE Select); coding-DNA position 238, A replaced by G.
Protein change: p.Ile80Val; replaces isoleucine 80 with valine.
Molecular consequence: missense variant.
Genome position (GRCh38, 1-based): chr1:62,654,066, T>C on the plus strand (A>G on the coding strand, the complement: DOCK7 is on the minus strand). VCF-style: chr1-62654066-T-C. GRCh37 (hg19) VCF-style: chr1-63119737-T-C.
Other names: c.238A>G, p.Ile80Val (NM_001271999.2, NM_001272000.2, NM_001272001.2 and 3 more transcripts); short protein forms I80V.
Identifiers: ClinVar variation 1911234 (VCV001911234.3), dbSNP rs2523345131, ClinGen allele CA340704287.
Genomic context (GRCh38, chr1:62,654,066, plus strand): 5'-CAAGAGTTCTGCAGTCCCGAGGACTATAAACAACTTCAATATCATCTGGAGGAAATTCAA[T>C]CAAATCCCGTAAAGGCCCAGAATCCACAGCCAAAGGATGAGTAATGAGGTAATCTTCCAA-3'
Protein context (NP_001354490.1, residues 70-90): AVDSGPLRDL[Ile80Val]EFPPDDIEVV

ClinVar aggregate classification (germline): Uncertain significance (1 of 4 stars; one submission).

Conditions:
Developmental and epileptic encephalopathy, 23 (DEE23). Also called: Epileptic encephalopathy, early infantile, 23. Identifiers: Orphanet 411986, MedGen C4014492, MONDO:0014371, OMIM 615859.

Allele frequency attached by ClinVar (database versions not stated): gnomAD exomes below 0.00001.
gnomAD v4.1: 2 of 1,613,922 alleles (0.00012%); highest among the groups gnomAD compares: Admixed American, 0.0017%; no homozygotes.

Submission:

Labcorp Genetics (formerly Invitae), Labcorp
Classification: Uncertain significance for Developmental and epileptic encephalopathy, 23. Last evaluated: 2022-10-03. Review status: criteria provided, single submitter. Criteria: Invitae Variant Classification Sherloc (09022015). Collection method: clinical testing. Allele origin: germline.
Comment: This variant is not present in population databases (gnomAD no frequency). In summary, the available evidence is currently insufficient to determine the role of this variant in disease. Therefore, it has been classified as a Variant of Uncertain Significance. Advanced modeling of protein sequence and biophysical properties (such as structural, functional, and spatial information, amino acid conservation, physicochemical variation, residue mobility, and thermodynamic stability) performed at Invitae indicates that this missense variant is not expected to disrupt DOCK7 protein function. This variant has not been reported in the literature in individuals affected with DOCK7-related conditions. This sequence change replaces isoleucine, which is neutral and non-polar, with valine, which is neutral and non-polar, at codon 80 of the DOCK7 protein (p.Ile80Val).